The following is an entry in ClinVar:

ClinVar aggregate classification (germline): Conflicting classifications of pathogenicity. Review status: criteria provided, conflicting classifications (1 of 4 stars). 2 submissions from 2 submitters: Uncertain significance (1); Likely benign (1). Last evaluated 2023-07-19.

Conditions:
Inborn genetic diseases. Identifiers: MedGen C0950123, MeSH D030342.

Allele frequency attached by ClinVar (database versions not stated): gnomAD exomes 0.00001 and below 0.00001; TOPMed below 0.00001; ExAC 0.00001.
gnomAD v4.1: 11 of 1,609,656 alleles (0.00068%); highest among the groups gnomAD compares: South Asian, 0.011%; no homozygotes.

Submissions (2):

Ambry Genetics
Classification: Uncertain significance for Inborn genetic diseases. Last evaluated: 2023-07-19. Review status: criteria provided, single submitter. Criteria: Ambry Variant Classification Scheme 2023. Collection method: clinical testing. Allele origin: germline.

GeneDx
Classification: Likely benign. Last evaluated: 2013-04-10. Review status: criteria provided, single submitter. Criteria: GeneDx Variant Classification (06012015). Collection method: clinical testing. Allele origin: germline. Affected: yes.
Comment: This variant is considered likely benign or benign based on one or more of the following criteria: it is a conservative change, it occurs at a poorly conserved position in the protein, it is predicted to be benign by multiple in silico algorithms, and/or has population frequency not consistent with disease.

NM_005006.7(NDUFS1):c.253G>A (p.Ala85Thr)

Gene: NDUFS1 (NADH:ubiquinone oxidoreductase core subunit S1; minus strand). Cytogenetic location: 2q33.3.
Variant type: single nucleotide variant.
Coding change: c.253G>A on transcript NM_005006.7 (MANE Select); coding-DNA position 253, G replaced by A.
Protein change: p.Ala85Thr; replaces alanine 85 with threonine.
Molecular consequence: missense variant. On other transcripts: intron variant (2).
Genome position (GRCh38, 1-based): chr2:206,149,826, C>T on the plus strand (G>A on the coding strand, the complement: NDUFS1 is on the minus strand). VCF-style: chr2-206149826-C-T. GRCh37 (hg19) VCF-style: chr2-207014550-C-T.
Other names: c.82G>A, p.Ala28Thr (NM_001199983.2); c.295G>A, p.Ala99Thr (NM_001199984.2); c.6-1992G>A (NM_001199982.2); c.154-730G>A (NM_001199981.2); c.253G>A (NM_005006.6); short protein forms A85T, A28T, A99T.
Identifiers: ClinVar variation 214767 (VCV000214767.3), dbSNP rs774069983, ClinGen allele CA324527.